The following is an entry in ClinVar:

ClinVar aggregate classification (germline): Uncertain significance (1 of 4 stars; one submission).

Submission:

GeneDx
Classification: Uncertain significance. Last evaluated: 2025-02-25. Review status: criteria provided, single submitter. Criteria: GeneDx Variant Classification Process June 2021. Collection method: clinical testing. Allele origin: germline. Affected: yes.
Comment: Not observed at significant frequency in large population cohorts (gnomAD); In silico analysis indicates that this missense variant does not alter protein structure/function; Has not been previously published as pathogenic or benign to our knowledge

NM_005909.5(MAP1B):c.4888A>C (p.Lys1630Gln)

Gene: MAP1B (microtubule associated protein 1B; plus strand). Cytogenetic location: 5q13.2.
Variant type: single nucleotide variant.
Coding change: c.4888A>C on transcript NM_005909.5 (MANE Select); coding-DNA position 4888, A replaced by C.
Protein change: p.Lys1630Gln; replaces lysine 1630 with glutamine.
Molecular consequence: missense variant.
Genome position (GRCh38, 1-based): chr5:72,198,243, A>C. VCF-style: chr5-72198243-A-C. GRCh37 (hg19) VCF-style: chr5-71494070-A-C.
Other names: c.4510A>C, p.Lys1504Gln (NM_001324255.2); short protein forms K1504Q, K1630Q.
Identifiers: ClinVar variation 4076568 (VCV004076568.1).